The following is an entry in ClinVar:

NM_024596.5(MCPH1):c.1213C>T (p.Leu405Phe)

Gene: MCPH1 (microcephalin 1; plus strand). Cytogenetic location: 8p23.1.
Variant type: single nucleotide variant.
Coding change: c.1213C>T on transcript NM_024596.5 (MANE Select); coding-DNA position 1213, C replaced by T.
Protein change: p.Leu405Phe; replaces leucine 405 with phenylalanine.
Molecular consequence: missense variant. On other transcripts: non-coding transcript variant (1).
Genome position (GRCh38, 1-based): chr8:6,444,935, C>T. VCF-style: chr8-6444935-C-T. GRCh37 (hg19) VCF-style: chr8-6302456-C-T.
Other names: c.1213C>T (NM_024596.3); c.1213C>T, p.Leu405Phe (NM_001172574.2, NM_001322042.2, NM_001363979.1 and 3 more transcripts); c.1069C>T, p.Leu357Phe (NM_001172575.2); c.1207C>T, p.Leu403Phe (NM_001322043.2); c.1111C>T, p.Leu371Phe (NM_001322045.2); short protein forms L405F, L371F, L403F, L357F.
Identifiers: ClinVar variation 1926284 (VCV001926284.3), dbSNP rs780510014, ClinGen allele CA171404573.

ClinVar aggregate classification (germline): Uncertain significance. Review status: criteria provided, multiple submitters, no conflicts (2 of 4 stars). 2 submissions from 2 submitters: Uncertain significance (2). Last evaluated 2025-09-28.

Conditions:
Inborn genetic diseases. Identifiers: MedGen C0950123, MeSH D030342.

Allele frequency attached by ClinVar (database versions not stated): TOPMed 0.00001.

Submissions (2):

Ambry Genetics
Classification: Uncertain significance for Inborn genetic diseases. Last evaluated: 2025-09-28. Review status: criteria provided, single submitter. Criteria: Ambry Variant Classification Scheme 2023. Collection method: clinical testing. Allele origin: germline.

Labcorp Genetics (formerly Invitae), Labcorp
Classification: Uncertain significance. Last evaluated: 2022-08-22. Review status: criteria provided, single submitter. Criteria: Invitae Variant Classification Sherloc (09022015). Collection method: clinical testing. Allele origin: germline.
Comment: This sequence change replaces leucine, which is neutral and non-polar, with phenylalanine, which is neutral and non-polar, at codon 405 of the MCPH1 protein (p.Leu405Phe). This variant is not present in population databases (gnomAD no frequency). This variant has not been reported in the literature in individuals affected with MCPH1-related conditions. Algorithms developed to predict the effect of missense changes on protein structure and function are either unavailable or do not agree on the potential impact of this missense change (SIFT: "Not Available"; PolyPhen-2: "Possibly Damaging"; Align-GVGD: "Not Available"). In summary, the available evidence is currently insufficient to determine the role of this variant in disease. Therefore, it has been classified as a Variant of Uncertain Significance.